The following is an entry in ClinVar:

ClinVar aggregate classification (germline): Pathogenic. Review status: criteria provided, multiple submitters, no conflicts (2 of 4 stars). 3 submissions from 3 submitters: Pathogenic (2). 1 of the submissions does not count toward it. Last evaluated 2024-08-27.

Conditions:
Epidermolysis bullosa pruriginosa, autosomal dominant. Identifiers: MedGen C2675780.

Submissions (3):

Labcorp Genetics (formerly Invitae), Labcorp
Classification: Pathogenic. Last evaluated: 2024-08-27. Review status: criteria provided, single submitter. Criteria: Invitae Variant Classification Sherloc (09022015). Collection method: clinical testing. Allele origin: germline.
Comment: This sequence change creates a premature translational stop signal (p.Lys2289Profs*94) in the COL7A1 gene. RNA analysis indicates that this premature translational stop signal induces altered splicing and likely results in a shortened protein product. This variant is not present in population databases (gnomAD no frequency). This premature translational stop signal has been observed in individual(s) with autosomal dominant and autosomal recessive dystrophic epidermolysis bullosa (PMID: 9881948). It has also been observed to segregate with disease in related individuals. This variant is also known as 6862del16. ClinVar contains an entry for this variant (Variation ID: 503708). Studies have shown that this premature translational stop signal results in skipping of exon 87, but is expected to preserve the integrity of the reading-frame (PMID: 9881948). This variant disrupts the triple helix domain of COL7A1. Glycine residues within the Gly-Xaa-Yaa repeats of the triple helix domain are required for the structure and stability of fibrillar collagens (PMID: 7695699, 8218237, 19344236), and variants at these glycine residues in COL7A1 are more frequently observed in individuals with disease than in the general population (PMID: 22058051). However, the clinical significance of this observation remains uncertain since only a limited number of affected individuals have been described to date. For these reasons, this variant has been classified as Pathogenic.

GeneDx
Classification: Pathogenic. Last evaluated: 2021-12-08. Review status: criteria provided, single submitter. Criteria: GeneDx Variant Classification Process June 2021. Collection method: clinical testing. Allele origin: germline. Affected: yes.
Comment: Predicted to result in an in-frame deletion of an exon encoding a functionally important protein region, as a published RNA study demonstrates skipping of exon 87 with subsequent restoration of the open reading frame (Cserhalmi-Friedman et al., 1998); skipping of exon 87 due to other pathogenic variants has been reported as a common disease-causing mechanism in many DEB cases (Saito et al., 2009); Not observed in large population cohorts (Lek et al., 2016); This variant is associated with the following publications: (PMID: 9881948, 16965329, 19486058, 10383749, 23688405)

OMIM
Classification: Pathogenic for EPIDERMOLYSIS BULLOSA PRURIGINOSA, AUTOSOMAL DOMINANT. Last evaluated: 1999-06-01. Review status: no assertion criteria provided. Collection method: literature only. Allele origin: germline. Not counted in ClinVar's aggregate classification.

Literature cited by the submitters: PubMed 9881948 (cited by Labcorp Genetics (formerly Invitae), Labcorp and OMIM); PubMed 7695699 (cited by Labcorp Genetics (formerly Invitae), Labcorp); PubMed 8218237 (cited by Labcorp Genetics (formerly Invitae), Labcorp); PubMed 19344236 (cited by Labcorp Genetics (formerly Invitae), Labcorp); PubMed 22058051 (cited by Labcorp Genetics (formerly Invitae), Labcorp); PubMed 10383749 (cited by OMIM); PubMed 9718359 (cited by OMIM).

NM_000094.4(COL7A1):c.6864_6879del (p.Lys2289fs)

Gene: COL7A1 (collagen type VII alpha 1 chain; minus strand). Cytogenetic location: 3p21.31.
Variant type: Deletion.
Coding change: c.6864_6879del on transcript NM_000094.4 (MANE Select); coding-DNA positions 6864 to 6879, 16 bases deleted (TAAAGGAGAACCTGGC).
Protein change: p.Lys2289fs; shifts the reading frame from lysine 2289.
Molecular consequence: frameshift variant.
Genome position (GRCh38, 1-based): chr3:48,572,692-48,572,707, GCCAGGTTCTCCTTTA deleted on the plus strand (TAAAGGAGAACCTGGC on the coding strand, the reverse complement: COL7A1 is on the minus strand); deleting any 16 consecutive bases within chr3:48,572,692-48,572,708 gives the same sequence; the c. name uses the placement nearest the transcript's 3' end. VCF-style (leftmost placement, unchanged base first): chr3-48572691-GGCCAGGTTCTCCTTTA-G. GRCh37 (hg19) VCF-style: chr3-48610124-GGCCAGGTTCTCCTTTA-G.
Other names: c.6864_6879del16 (NM_000094.3); short protein forms K2289fs.
Identifiers: ClinVar variation 503708 (VCV000503708.8), dbSNP rs1553853022, ClinGen allele CA658796305.
Genomic context (GRCh38, chr3:48,572,691, plus strand): 5'-GGAGTTGCTGCAGGGGGTGGAAGTCAGGGTCAAAGATCACCTGTCCAGGGGCCCCCGTGG[GGCCAGGTTCTCCTTTA>G]GGTCCGACAGGGCCAGGCAGACCTGGTGACCCCTATGGCAGAGCAGCGTGAGGAACTCAG-3'